The following is an entry in ClinVar:

NM_002474.3(MYH11):c.4418G>T (p.Arg1473Ile)

Genes: MYH11 (myosin heavy chain 11; minus strand), NDE1 (nudE neurodevelopment protein 1; plus strand). Cytogenetic location: 16p13.11.
Variant type: single nucleotide variant.
Coding change: c.4418G>T on transcript NM_002474.3 (MANE Select); coding-DNA position 4418, G replaced by T.
Protein change: p.Arg1473Ile; replaces arginine 1473 with isoleucine.
Molecular consequence: missense variant. On other transcripts: intron variant (2).
Genome position (GRCh38, 1-based): chr16:15,721,582, C>A on the plus strand (G>T on the coding strand, the complement: MYH11 is on the minus strand). VCF-style: chr16-15721582-C-A. GRCh37 (hg19) VCF-style: chr16-15815439-C-A.
Other names: c.4439G>T, p.Arg1480Ile (NM_001040113.2, NM_001040114.2); c.4418G>T, p.Arg1473Ile (NM_022844.3); c.948-2609C>A (NM_001143979.2, NM_017668.3); short protein forms R1473I, R1480I.
Identifiers: ClinVar variation 424507 (VCV000424507.15), dbSNP rs758663266, ClinGen allele CA7921666.

ClinVar aggregate classification (germline): Uncertain significance. Review status: criteria provided, multiple submitters, no conflicts (2 of 4 stars). 7 submissions from 7 submitters: Uncertain significance (7). Last evaluated 2025-10-25.

Conditions:
Megacystis-microcolon-intestinal hypoperistalsis syndrome 2. Identifiers: MedGen C5543476, MONDO:0025708, OMIM 619351.
Visceral myopathy 2. Identifiers: MedGen C5543466, MONDO:0859157, OMIM 619350.
Aortic aneurysm, familial thoracic 4 (AAT4). Also called: AORTIC ANEURYSM/AORTIC DISSECTION AND PATENT DUCTUS ARTERIOSUS. Identifiers: MedGen C1851504, MONDO:0007568, OMIM 132900.
Familial thoracic aortic aneurysm and aortic dissection (TAAD). Also called: Thoracic aortic aneurysms and dissections. Identifiers: Orphanet 91387, MedGen C4707243, MONDO:0019625.

Allele frequency attached by ClinVar (database versions not stated): ExAC 0.00001; gnomAD 0.00001; gnomAD exomes 0.00001; TOPMed 0.00001.
gnomAD v4.1: 23 of 1,614,084 alleles (0.0014%); highest among the groups gnomAD compares: Middle Eastern, 0.016%; no homozygotes.

Submissions (7):

Labcorp Genetics (formerly Invitae), Labcorp
Classification: Uncertain significance for Aortic aneurysm, familial thoracic 4. Last evaluated: 2025-10-25. Review status: criteria provided, single submitter. Criteria: Invitae Variant Classification Sherloc (09022015). Collection method: clinical testing. Allele origin: germline.
Comment: This sequence change replaces arginine, which is basic and polar, with isoleucine, which is neutral and non-polar, at codon 1480 of the MYH11 protein (p.Arg1480Ile). This variant is present in population databases (rs758663266, gnomAD 0.004%). This variant has not been reported in the literature in individuals affected with MYH11-related conditions. ClinVar contains an entry for this variant (Variation ID: 424507). Invitae Evidence Modeling of protein sequence and biophysical properties (such as structural, functional, and spatial information, amino acid conservation, physicochemical variation, residue mobility, and thermodynamic stability) indicates that this missense variant is not expected to disrupt MYH11 protein function with a negative predictive value of 95%. In summary, the available evidence is currently insufficient to determine the role of this variant in disease. Therefore, it has been classified as a Variant of Uncertain Significance.

Ambry Genetics
Classification: Uncertain significance for Familial thoracic aortic aneurysm and aortic dissection. Last evaluated: 2025-02-22. Review status: criteria provided, single submitter. Criteria: Ambry Variant Classification Scheme 2023. Collection method: clinical testing. Allele origin: germline.
Comment: The p.R1473I variant (also known as c.4418G>T), located in coding exon 31 of the MYH11 gene, results from a G to T substitution at nucleotide position 4418. The arginine at codon 1473 is replaced by isoleucine, an amino acid with similar properties. This amino acid position is conserved. In addition, the in silico prediction for this alteration is inconclusive. Since supporting evidence is limited at this time, the clinical significance of this alteration remains unclear.

Blueprint Genetics
Classification: Uncertain significance. Last evaluated: 2024-09-20. Review status: criteria provided, single submitter. Criteria: ACMG Guidelines, 2015. Collection method: clinical testing. Allele origin: germline.

Color Diagnostics, LLC DBA Color Health
Classification: Uncertain significance for Familial thoracic aortic aneurysm and aortic dissection. Last evaluated: 2024-03-06. Review status: criteria provided, single submitter. Criteria: ACMG Guidelines, 2015. Collection method: clinical testing. Allele origin: germline.
Comment: This missense variant replaces arginine with isoleucine at codon 1480 of the MYH11 protein. Computational prediction is inconclusive regarding the impact of this variant on protein structure and function (internally defined REVEL score threshold 0.5 < inconclusive < 0.7, PMID: 27666373). To our knowledge, functional studies have not been reported for this variant. This variant has not been reported in individuals affected with MYH11-related disorders in the literature. This variant has been identified in 2/251490 chromosomes in the general population by the Genome Aggregation Database (gnomAD). The available evidence is insufficient to determine the role of this variant in disease conclusively. Therefore, this variant is classified as a Variant of Uncertain Significance.

All of Us Research Program, National Institutes of Health
Classification: Uncertain significance for Familial thoracic aortic aneurysm and aortic dissection. Last evaluated: 2024-03-05. Review status: criteria provided, single submitter. Criteria: ACMG Guidelines, 2015. Collection method: clinical testing. Allele origin: germline. Inheritance: Autosomal dominant inheritance. Observed: 6 variant alleles, 6 heterozygotes.
Comment: This missense variant replaces arginine with isoleucine at codon 1480 of the MYH11 protein. Computational prediction is inconclusive regarding the impact of this variant on protein structure and function (internally defined REVEL score threshold 0.5 < inconclusive < 0.7, PMID: 27666373). To our knowledge, functional studies have not been reported for this variant. This variant has not been reported in individuals affected with cardiovascular disorders in the literature. This variant has been identified in 2/251490 chromosomes in the general population by the Genome Aggregation Database (gnomAD). The available evidence is insufficient to determine the role of this variant in disease conclusively. Therefore, this variant is classified as a Variant of Uncertain Significance.

This study involves interpretation of variants in research participants for the purpose of population health screening. Participant phenotype was not available at the time of variant classification. Additional details can be found in publication PMID: 35346344, PMCID: PMC8962531

Fulgent Genetics
Classification: Uncertain significance for Aortic aneurysm, familial thoracic 4; Visceral myopathy 2; Megacystis-microcolon-intestinal hypoperistalsis syndrome 2. Last evaluated: 2021-08-18. Review status: criteria provided, single submitter. Criteria: ACMG Guidelines, 2015. Collection method: clinical testing. Allele origin: unknown.

GeneDx
Classification: Uncertain significance. Last evaluated: 2017-03-22. Review status: criteria provided, single submitter. Criteria: GeneDx Variant Classification (06012015). Collection method: clinical testing. Allele origin: germline. Affected: yes.
Comment: The R1473I variant has not beenpublished as pathogenic or been reported as benign to our knowledge. It is not observed at a significant frequency inlarge population cohorts (Lek et al., 2016; 1000 Genomes Consortium et al., 2015; Exome Variant Server). TheR1473I variant is a non-conservative amino acid substitution, which is likely to impact secondary protein structure asthese residues differ in polarity, charge, size and/or other properties. In addition, this substitution occurs at a positionwhere only amino acids with similar properties to arginine (R) are tolerated across species, and in silico analysispredicts this variant is probably damaging to the protein structure/function. Nonetheless, this variant lacksobservation in a significant number of affected individuals, segregation data, and functional evidence, all of whichwould further clarify pathogenicity.